The following is an entry in ClinVar:

ClinVar aggregate classification (germline): Uncertain significance (1 of 4 stars; one submission).

Conditions:
Cryopyrin associated periodic syndrome (CAPS). Identifiers: Orphanet 208650, MedGen C2316212, MONDO:0016168.

Allele frequency attached by ClinVar (database versions not stated): TOPMed below 0.00001; ExAC 0.00001.
gnomAD v4.1: 6 of 1,613,772 alleles (0.00037%); highest among the groups gnomAD compares: East Asian, 0.0022%; no homozygotes.

Submission:

Labcorp Genetics (formerly Invitae), Labcorp
Classification: Uncertain significance for Cryopyrin associated periodic syndrome. Last evaluated: 2025-08-16. Review status: criteria provided, single submitter. Criteria: Invitae Variant Classification Sherloc (09022015). Collection method: clinical testing. Allele origin: germline.
Comment: This sequence change replaces arginine, which is basic and polar, with tryptophan, which is neutral and slightly polar, at codon 773 of the NLRP3 protein (p.Arg773Trp). This variant is present in population databases (rs757698137, gnomAD 0.0009%). This variant has not been reported in the literature in individuals affected with NLRP3-related conditions. ClinVar contains an entry for this variant (Variation ID: 1981236). Invitae Evidence Modeling of protein sequence and biophysical properties (such as structural, functional, and spatial information, amino acid conservation, physicochemical variation, residue mobility, and thermodynamic stability) has been performed for this missense variant. However, the output from this modeling did not meet the statistical confidence thresholds required to predict the impact of this variant on NLRP3 protein function. In summary, the available evidence is currently insufficient to determine the role of this variant in disease. Therefore, it has been classified as a Variant of Uncertain Significance.

NM_001243133.2(NLRP3):c.2311C>T (p.Arg771Trp)

Gene: NLRP3 (NLR family pyrin domain containing 3; plus strand). Cytogenetic location: 1q44.
Variant type: single nucleotide variant.
Coding change: c.2311C>T on transcript NM_001243133.2 (MANE Select); coding-DNA position 2311, C replaced by T.
Protein change: p.Arg771Trp; replaces arginine 771 with tryptophan.
Molecular consequence: missense variant. On other transcripts: intron variant (2).
Genome position (GRCh38, 1-based): chr1:247,429,745, C>T. VCF-style: chr1-247429745-C-T. GRCh37 (hg19) VCF-style: chr1-247593047-C-T.
Other names: c.2311C>T, p.Arg771Trp (NM_001079821.3, NM_001127461.3); c.2317C>T, p.Arg773Trp (NM_004895.5); c.2150+4146C>T (NM_001127462.3, NM_183395.3); short protein forms R771W, R773W.
Identifiers: ClinVar variation 1981236 (VCV001981236.4), dbSNP rs757698137, ClinGen allele CA1495172.
Genomic context (GRCh38, chr1:247,429,745, plus strand): 5'-CTGGGGGACCCAGGGATGAGAGTGTTGTGTGAAACGCTCCAGCATCCTGGCTGTAACATT[C>T]GGAGATTGTGGTGAGTCCCCGTGCATGTGATCTGTGTGAGTGCAAGTTCATATGAGAGAG-3'
Protein context (NP_001230062.1, residues 761-781): ETLQHPGCNI[Arg771Trp]RLWLGRCGLS